The following is an entry in ClinVar:

NM_000263.4(NAGLU):c.787A>G (p.Thr263Ala)

Gene: NAGLU (N-acetyl-alpha-glucosaminidase; plus strand). Cytogenetic location: 17q21.2.
Variant type: single nucleotide variant.
Coding change: c.787A>G on transcript NM_000263.4 (MANE Select); coding-DNA position 787, A replaced by G.
Protein change: p.Thr263Ala; replaces threonine 263 with alanine.
Molecular consequence: missense variant.
Genome position (GRCh38, 1-based): chr17:42,540,972, A>G. VCF-style: chr17-42540972-A-G. GRCh37 (hg19) VCF-style: chr17-40692990-A-G.
Other names: short protein forms T263A.
Identifiers: ClinVar variation 1524985 (VCV001524985.8), dbSNP rs2143097981, ClinGen allele CA399599778.

ClinVar aggregate classification (germline): Uncertain significance (1 of 4 stars; one submission).

Conditions:
Mucopolysaccharidosis, MPS-III-B (MPS3B). Also called: N-ACETYL-ALPHA-D-GLUCOSAMINIDASE DEFICIENCY; NAGLU DEFICIENCY; SANFILIPPO SYNDROME B; MPS III B; MPS IIIB (Sanfilippo Syndrome Type B); MUCOPOLYSACCHARIDOSIS, TYPE IIIB. Identifiers: Orphanet 79270, MedGen C0086648, MONDO:0009656, OMIM 252920.
Charcot-Marie-Tooth disease axonal type 2V. Also called: CHARCOT-MARIE-TOOTH NEUROPATHY, TYPE 2V; CHARCOT-MARIE-TOOTH DISEASE, AXONAL, AUTOSOMAL DOMINANT, TYPE 2V. Identifiers: Orphanet 447964, MedGen C5569050, MONDO:0014665, OMIM 616491.

Submission:

Labcorp Genetics (formerly Invitae), Labcorp
Classification: Uncertain significance for Charcot-Marie-Tooth disease axonal type 2V; Mucopolysaccharidosis, MPS-III-B. Last evaluated: 2020-11-05. Review status: criteria provided, single submitter. Criteria: Invitae Variant Classification Sherloc (09022015). Collection method: clinical testing. Allele origin: germline.
Comment: In summary, the available evidence is currently insufficient to determine the role of this variant in disease. Therefore, it has been classified as a Variant of Uncertain Significance. Algorithms developed to predict the effect of missense changes on protein structure and function (SIFT, PolyPhen-2, Align-GVGD) all suggest that this variant is likely to be tolerated, but these predictions have not been confirmed by published functional studies and their clinical significance is uncertain. This variant has not been reported in the literature in individuals with NAGLU-related conditions. This variant is not present in population databases (ExAC no frequency). This sequence change replaces threonine with alanine at codon 263 of the NAGLU protein (p.Thr263Ala). The threonine residue is moderately conserved and there is a small physicochemical difference between threonine and alanine.